The following is an entry in ClinVar:

NM_001040108.2(MLH3):c.1390T>C (p.Ser464Pro)

Gene: MLH3 (mutL homolog 3; minus strand). Cytogenetic location: 14q24.3.
Variant type: single nucleotide variant.
Coding change: c.1390T>C on transcript NM_001040108.2 (MANE Select); coding-DNA position 1390, T replaced by C.
Protein change: p.Ser464Pro; replaces serine 464 with proline.
Molecular consequence: missense variant.
Genome position (GRCh38, 1-based): chr14:75,048,266, A>G on the plus strand (T>C on the coding strand, the complement: MLH3 is on the minus strand). VCF-style: chr14-75048266-A-G. GRCh37 (hg19) VCF-style: chr14-75514969-A-G.
Other names: c.1390T>C, p.Ser464Pro (NM_014381.3); short protein forms S464P.
Identifiers: ClinVar variation 1771550 (VCV001771550.4), dbSNP rs747037459, ClinGen allele CA7275883.
Genomic context (GRCh38, chr14:75,048,266, plus strand): 5'-TTTCTCCAGCTTCTGATGCTACAATTGTCTCTTGTTCTAACATCTTTGATTCTGAGCAAG[A>G]GCTGTCTTTGTTTTGTAAAGATGGCTCTGTCATTTTGCTATGGCCTGGACCACCTGATTC-3'
Protein context (NP_001035197.1, residues 454-474): TEPSLQNKDS[Ser464Pro]CSESKMLEQE

ClinVar aggregate classification (germline): Uncertain significance. Review status: criteria provided, multiple submitters, no conflicts (2 of 4 stars). 2 submissions from 2 submitters: Uncertain significance (2). Last evaluated 2025-09-27.

Conditions:
Colorectal cancer, hereditary nonpolyposis, type 7. Identifiers: Orphanet 144, MedGen C1858380, MONDO:0013725, OMIM 614385.

Allele frequency attached by ClinVar (database versions not stated): TOPMed below 0.00001; ExAC 0.00001; gnomAD exomes 0.00001; gnomAD 0.00001.
gnomAD v4.1: 11 of 1,613,806 alleles (0.00068%); highest among the groups gnomAD compares: Non-Finnish European, 0.00093%; no homozygotes.

Submissions (2):

Labcorp Genetics (formerly Invitae), Labcorp
Classification: Uncertain significance for Colorectal cancer, hereditary nonpolyposis, type 7. Last evaluated: 2025-09-27. Review status: criteria provided, single submitter. Criteria: Invitae Variant Classification Sherloc (09022015). Collection method: clinical testing. Allele origin: germline.
Comment: This sequence change replaces serine, which is neutral and polar, with proline, which is neutral and non-polar, at codon 464 of the MLH3 protein (p.Ser464Pro). This variant is present in population databases (rs747037459, gnomAD 0.002%). This variant has not been reported in the literature in individuals affected with MLH3-related conditions. ClinVar contains an entry for this variant (Variation ID: 1771550). An algorithm developed to predict the effect of missense changes on protein structure and function (PolyPhen-2) suggests that this variant is likely to be tolerated. In summary, the available evidence is currently insufficient to determine the role of this variant in disease. Therefore, it has been classified as a Variant of Uncertain Significance.

Ambry Genetics
Classification: Uncertain significance. Last evaluated: 2025-02-23. Review status: criteria provided, single submitter. Criteria: Ambry Variant Classification Scheme 2023. Collection method: clinical testing. Allele origin: germline.
Comment: The p.S464P variant (also known as c.1390T>C), located in coding exon 1 of the MLH3 gene, results from a T to C substitution at nucleotide position 1390. The serine at codon 464 is replaced by proline, an amino acid with similar properties. This amino acid position is conserved. In addition, this alteration is predicted to be tolerated by in silico analysis. Since supporting evidence is limited at this time, the clinical significance of this alteration remains unclear.